The following is an entry in ClinVar:

NM_004100.5(EYA4):c.211G>A (p.Glu71Lys)

Gene: EYA4 (EYA transcriptional coactivator and phosphatase 4; plus strand). Cytogenetic location: 6q23.2.
Variant type: single nucleotide variant.
Coding change: c.211G>A on transcript NM_004100.5 (MANE Select); coding-DNA position 211, G replaced by A.
Protein change: p.Glu71Lys; replaces glutamic acid 71 with lysine.
Molecular consequence: missense variant. On other transcripts: intron variant (4).
Genome position (GRCh38, 1-based): chr6:133,448,113, G>A. VCF-style: chr6-133448113-G-A. GRCh37 (hg19) VCF-style: chr6-133769251-G-A.
Other names: c.211G>A, p.Glu71Lys (NM_001301013.2, NM_172105.4); c.208+1359G>A (NM_001370458.1, NM_172103.4, NM_001370459.1 and 1 more transcripts); short protein forms E71K.
Identifiers: ClinVar variation 1010768 (VCV001010768.12), dbSNP rs537561870, ClinGen allele CA4007983.

ClinVar aggregate classification (germline): Uncertain significance. Review status: criteria provided, multiple submitters, no conflicts (2 of 4 stars). 3 submissions from 3 submitters: Uncertain significance (3). Last evaluated 2025-09-28.

Conditions:
Dilated cardiomyopathy 1J (CMD1J). Also called: CARDIOMYOPATHY, DILATED, WITH SENSORINEURAL HEARING LOSS, AUTOSOMAL DOMINANT. Identifiers: Orphanet 217622, MedGen C1854368, MONDO:0011541, OMIM 605362.
Cardiovascular phenotype. Identifiers: MedGen CN230736.

Allele frequency attached by ClinVar (database versions not stated): gnomAD exomes below 0.00001 and 0.00001; ExAC 0.00002; gnomAD 0.00002 and 0.00003; TOPMed 0.00002; 1000 Genomes Project 0.00040; 1000 Genomes Project 30x 0.00062.
gnomAD v4.1: 9 of 1,611,386 alleles (0.00056%); highest among the groups gnomAD compares: African/African-American, 0.0067%; no homozygotes.

Submissions (3):

Labcorp Genetics (formerly Invitae), Labcorp
Classification: Uncertain significance for Dilated cardiomyopathy 1J. Last evaluated: 2025-09-28. Review status: criteria provided, single submitter. Criteria: Invitae Variant Classification Sherloc (09022015). Collection method: clinical testing. Allele origin: germline.
Comment: This sequence change replaces glutamic acid, which is acidic and polar, with lysine, which is basic and polar, at codon 71 of the EYA4 protein (p.Glu71Lys). This variant is present in population databases (rs537561870, gnomAD 0.01%). This variant has not been reported in the literature in individuals affected with EYA4-related conditions. ClinVar contains an entry for this variant (Variation ID: 1010768). An algorithm developed to predict the effect of missense changes on protein structure and function (PolyPhen-2) suggests that this variant is likely to be tolerated. In summary, the available evidence is currently insufficient to determine the role of this variant in disease. Therefore, it has been classified as a Variant of Uncertain Significance.

GeneDx
Classification: Uncertain significance. Last evaluated: 2025-08-07. Review status: criteria provided, single submitter. Criteria: GeneDx Variant Classification Process June 2021. Collection method: clinical testing. Allele origin: germline. Affected: yes.
Comment: Not observed at significant frequency in large population cohorts (gnomAD); In silico analysis suggests that this missense variant does not alter protein structure/function; Has not been previously published as pathogenic or benign to our knowledge

Ambry Genetics
Classification: Uncertain significance for Cardiovascular phenotype. Last evaluated: 2023-06-01. Review status: criteria provided, single submitter. Criteria: Ambry Variant Classification Scheme 2023. Collection method: clinical testing. Allele origin: germline.
Comment: The p.E71K variant (also known as c.211G>A), located in coding exon 4 of the EYA4 gene, results from a G to A substitution at nucleotide position 211. The glutamic acid at codon 71 is replaced by lysine, an amino acid with similar properties. This amino acid position is not well conserved in available vertebrate species. In addition, the in silico prediction for this alteration is inconclusive. Since supporting evidence is limited at this time, the clinical significance of this alteration remains unclear.